The following is an entry in ClinVar:

ClinVar aggregate classification (germline): Uncertain significance (1 of 4 stars; one submission).

Submission:

Labcorp Genetics (formerly Invitae), Labcorp
Classification: Uncertain significance. Last evaluated: 2023-10-12. Review status: criteria provided, single submitter. Criteria: Invitae Variant Classification Sherloc (09022015). Collection method: clinical testing. Allele origin: germline.
Comment: This sequence change replaces proline, which is neutral and non-polar, with leucine, which is neutral and non-polar, at codon 2611 of the NSD1 protein (p.Pro2611Leu). This variant is not present in population databases (gnomAD no frequency). This variant has not been reported in the literature in individuals affected with NSD1-related conditions. Advanced modeling of protein sequence and biophysical properties (such as structural, functional, and spatial information, amino acid conservation, physicochemical variation, residue mobility, and thermodynamic stability) performed at Invitae indicates that this missense variant is not expected to disrupt NSD1 protein function. In summary, the available evidence is currently insufficient to determine the role of this variant in disease. Therefore, it has been classified as a Variant of Uncertain Significance.

NM_022455.5(NSD1):c.7832C>T (p.Pro2611Leu)

Gene: NSD1 (nuclear receptor binding SET domain protein 1; plus strand). Cytogenetic location: 5q35.3.
Variant type: single nucleotide variant.
Coding change: c.7832C>T on transcript NM_022455.5 (MANE Select); coding-DNA position 7832, C replaced by T.
Protein change: p.Pro2611Leu; replaces proline 2611 with leucine.
Molecular consequence: missense variant.
Genome position (GRCh38, 1-based): chr5:177,295,200, C>T. VCF-style: chr5-177295200-C-T. GRCh37 (hg19) VCF-style: chr5-176722201-C-T.
Other names: c.6959C>T, p.Pro2320Leu (NM_001365684.2, NM_001409308.1, NM_172349.5); c.7832C>T, p.Pro2611Leu (NM_001409301.1, NM_001409302.1, NM_001409303.1); c.7412C>T, p.Pro2471Leu (NM_001409304.1); c.7079C>T, p.Pro2360Leu (NM_001409305.1); c.7070C>T, p.Pro2357Leu (NM_001409306.1, NM_001409307.1); c.6710C>T, p.Pro2237Leu (NM_001409309.1); short protein forms P2237L, P2320L, P2357L, P2360L, P2471L, P2611L.
Identifiers: ClinVar variation 3672912 (VCV003672912.2).